The following is an entry in ClinVar:

ClinVar aggregate classification (germline): Pathogenic (1 of 4 stars; one submission).

Conditions:
PUF60-related disorder. Also called: PUF60-related condition.

Submission:

PreventionGenetics, part of Exact Sciences
Classification: Pathogenic for PUF60-related condition. Last evaluated: 2026-05-14. Review status: criteria provided, single submitter. Criteria: ACMG Guidelines, 2015. Collection method: clinical testing. Allele origin: germline.
Comment: The PUF60 c.658G>T variant is predicted to result in premature protein termination (p.Glu220*). This variant has been reported as a de novo occurrence in an individual with PUF60-related developmental disorder (Grimes et al. 2023. PubMed ID: 37303278) and as a de novo variant in autism cohort studies (Kaplanis et al. 2020. PubMed ID: 33057194; Zhou et al. 2022. PubMed ID: 35982159). This variant is absent from a large population database (gnomAD), indicating this variant is rare. Nonsense variants in PUF60 are expected to be pathogenic. This variant is interpreted as pathogenic.

NM_078480.3(PUF60):c.658G>T (p.Glu220Ter)

Gene: PUF60 (poly(U) binding splicing factor 60; minus strand). Cytogenetic location: 8q24.3.
Variant type: single nucleotide variant.
Coding change: c.658G>T on transcript NM_078480.3 (MANE Select); coding-DNA position 658, G replaced by T.
Protein change: p.Glu220Ter; replaces glutamic acid 220 with a stop codon.
Molecular consequence: nonsense.
Genome position (GRCh38, 1-based): chr8:143,818,021, C>A on the plus strand (G>T on the coding strand, the complement: PUF60 is on the minus strand). VCF-style: chr8-143818021-C-A. GRCh37 (hg19) VCF-style: chr8-144900191-C-A.
Other names: c.529G>T, p.Glu177Ter (NM_001136033.3); c.604G>T, p.Glu202Ter (NM_001271096.2); c.520G>T, p.Glu174Ter (NM_001271097.2); c.655G>T, p.Glu219Ter (NM_001271098.2); c.571G>T, p.Glu191Ter (NM_001271099.2); c.478G>T, p.Glu160Ter (NM_001271100.2); c.769G>T, p.Glu257Ter (NM_001362895.2, NM_001362896.2); c.718G>T, p.Glu240Ter (NM_001362897.2); and 1 more; short protein forms E203*, E220*, E174*, E240*, E257*, E191*, E160*, E177*.
Identifiers: ClinVar variation 4978198 (VCV004978198.1).